The following is an entry in ClinVar:

NM_001242896.3(DEPDC5):c.4727T>G (p.Phe1576Cys)

Gene: DEPDC5 (DEP domain containing 5, GATOR1 subcomplex subunit; plus strand). Cytogenetic location: 22q12.3.
Variant type: single nucleotide variant.
Coding change: c.4727T>G on transcript NM_001242896.3 (MANE Select); coding-DNA position 4727, T replaced by G.
Protein change: p.Phe1576Cys; replaces phenylalanine 1576 with cysteine.
Molecular consequence: missense variant. On other transcripts: non-coding transcript variant (5).
Genome position (GRCh38, 1-based): chr22:31,906,412, T>G. VCF-style: chr22-31906412-T-G. GRCh37 (hg19) VCF-style: chr22-32302398-T-G.
Other names: c.4700T>G, p.Phe1567Cys (NM_001136029.4); c.4427T>G, p.Phe1476Cys (NM_001242897.2); c.4661T>G, p.Phe1554Cys (NM_001363852.2, NM_001364320.2); c.4493T>G, p.Phe1498Cys (NM_001363854.2, NM_001364319.2); c.4727T>G, p.Phe1576Cys (NM_001364318.2); c.4643T>G, p.Phe1548Cys (NM_001369901.1, NM_001369902.1); c.4634T>G, p.Phe1545Cys (NM_001369903.1, NM_014662.6); short protein forms F1548C, F1554C, F1476C, F1545C, F1576C, F1498C, F1567C.
Identifiers: ClinVar variation 661075 (VCV000661075.10), dbSNP rs1025857773, ClinGen allele CA323356555.

ClinVar aggregate classification (germline): Uncertain significance (1 of 4 stars; one submission).

Conditions:
Familial focal epilepsy with variable foci (FPEVF). Identifiers: Orphanet 98820, MedGen C1858477, MONDO:0020310.

Allele frequency attached by ClinVar (database versions not stated): gnomAD exomes below 0.00001; TOPMed below 0.00001; gnomAD 0.00001.
gnomAD v4.1: 2 of 1,613,960 alleles (0.00012%); highest among the groups gnomAD compares: Non-Finnish European, 0.00017%; no homozygotes.

Submission:

Labcorp Genetics (formerly Invitae), Labcorp
Classification: Uncertain significance for Familial focal epilepsy with variable foci. Last evaluated: 2025-08-25. Review status: criteria provided, single submitter. Criteria: Invitae Variant Classification Sherloc (09022015). Collection method: clinical testing. Allele origin: germline.
Comment: This sequence change replaces phenylalanine, which is neutral and non-polar, with cysteine, which is neutral and slightly polar, at codon 1576 of the DEPDC5 protein (p.Phe1576Cys). This variant is not present in population databases (gnomAD no frequency). This variant has not been reported in the literature in individuals affected with DEPDC5-related conditions. ClinVar contains an entry for this variant (Variation ID: 661075). Experimental studies and prediction algorithms are not available or were not evaluated, and the functional significance of this variant is currently unknown. In summary, the available evidence is currently insufficient to determine the role of this variant in disease. Therefore, it has been classified as a Variant of Uncertain Significance.